The following is an entry in ClinVar:

NM_025103.4(IFT74):c.1141C>T (p.Gln381Ter)

Gene: IFT74 (intraflagellar transport 74; plus strand). Cytogenetic location: 9p21.2.
Variant type: single nucleotide variant.
Coding change: c.1141C>T on transcript NM_025103.4 (MANE Select); coding-DNA position 1141, C replaced by T.
Protein change: p.Gln381Ter; replaces glutamine 381 with a stop codon.
Molecular consequence: nonsense.
Genome position (GRCh38, 1-based): chr9:27,047,306, C>T. VCF-style: chr9-27047306-C-T. GRCh37 (hg19) VCF-style: chr9-27047304-C-T.
Other names: c.1141C>T, p.Gln381Ter (NM_001099222.3, NM_001099223.3, NM_001349928.2); short protein forms Q381*.
Identifiers: ClinVar variation 2777137 (VCV002777137.3), dbSNP rs764979540, ClinGen allele CA373125176.

ClinVar aggregate classification (germline): Pathogenic (1 of 4 stars; one submission).

gnomAD v4.1: 1 of 1,612,860 alleles (0.000062%); highest among the groups gnomAD compares: Admixed American, 0.0017%; no homozygotes.

Submission:

Labcorp Genetics (formerly Invitae), Labcorp
Classification: Pathogenic. Last evaluated: 2024-01-04. Review status: criteria provided, single submitter. Criteria: Invitae Variant Classification Sherloc (09022015). Collection method: clinical testing. Allele origin: germline.
Comment: This sequence change creates a premature translational stop signal (p.Gln381*) in the IFT74 gene. It is expected to result in an absent or disrupted protein product. Loss-of-function variants in IFT74 are known to be pathogenic (PMID: 33531668). This variant is present in population databases (no rsID available, gnomAD 0.003%). This variant has not been reported in the literature in individuals affected with IFT74-related conditions. Algorithms developed to predict the effect of sequence changes on RNA splicing suggest that this variant may disrupt the consensus splice site. For these reasons, this variant has been classified as Pathogenic.

Literature cited by the submitters: PubMed 33531668.